The following is an entry in ClinVar:

ClinVar aggregate classification (germline): Uncertain significance (1 of 4 stars; one submission).

Conditions:
Frontotemporal dementia and/or amyotrophic lateral sclerosis 4. Also called: FTDALS4. Identifiers: Orphanet 275872, MedGen C4225325, MONDO:0014641, OMIM 616439.

Submission:

Labcorp Genetics (formerly Invitae), Labcorp
Classification: Uncertain significance for Frontotemporal dementia and/or amyotrophic lateral sclerosis 4. Last evaluated: 2021-02-18. Review status: criteria provided, single submitter. Criteria: Invitae Variant Classification Sherloc (09022015). Collection method: clinical testing. Allele origin: germline.
Comment: This sequence change falls in intron 3 of the TBK1 gene. It does not directly change the encoded amino acid sequence of the TBK1 protein. It affects a nucleotide within the consensus splice site of the intron. This variant is not present in population databases (ExAC no frequency). This variant has not been reported in the literature in individuals with TBK1-related conditions. Nucleotide substitutions within the consensus splice site are a relatively common cause of aberrant splicing (PMID: 17576681, 9536098). Algorithms developed to predict the effect of sequence changes on RNA splicing suggest that this variant is not likely to affect RNA splicing, but this prediction has not been confirmed by published transcriptional studies. In summary, the available evidence is currently insufficient to determine the role of this variant in disease. Therefore, it has been classified as a Variant of Uncertain Significance.

Literature cited by the submitters: PubMed 17576681; PubMed 9536098.

NM_013254.4(TBK1):c.228+4A>C

Gene: TBK1 (TANK binding kinase 1; plus strand). Cytogenetic location: 12q14.2.
Variant type: single nucleotide variant.
Coding change: c.228+4A>C on transcript NM_013254.4 (MANE Select); 4 bases into the intron after coding-DNA position 228, A replaced by C.
Molecular consequence: intron variant.
Genome position (GRCh38, 1-based): chr12:64,460,333, A>C. VCF-style: chr12-64460333-A-C. GRCh37 (hg19) VCF-style: chr12-64854113-A-C.
Identifiers: ClinVar variation 1471951 (VCV001471951.6), dbSNP rs2136056750, ClinGen allele CA2573148935.